The following is an entry in ClinVar:

NM_015459.5(ATL3):c.1138C>T (p.Pro380Ser)

Genes: ATL3 (atlastin GTPase 3; minus strand), LNCROPM (lncRNA regulator of PLAAT3 mediated phospholipid metabolism; plus strand), LOC126861231 (CDK7 strongly-dependent group 2 enhancer GRCh37_chr11:63398741-63399940; plus strand). Cytogenetic location: 11q13.1.
Variant type: single nucleotide variant.
Coding change: c.1138C>T on transcript NM_015459.5 (MANE Select); coding-DNA position 1138, C replaced by T.
Protein change: p.Pro380Ser; replaces proline 380 with serine.
Molecular consequence: missense variant.
Genome position (GRCh38, 1-based): chr11:63,631,441, G>A on the plus strand (C>T on the coding strand, the complement: ATL3 is on the minus strand). VCF-style: chr11-63631441-G-A. GRCh37 (hg19) VCF-style: chr11-63398913-G-A.
Other names: c.1084C>T, p.Pro362Ser (NM_001290048.2); short protein forms P380S, P362S.
Identifiers: ClinVar variation 1403285 (VCV001403285.32), dbSNP rs745644667, ClinGen allele CA6063571.
Genomic context (GRCh38, chr11:63,631,441, plus strand): 5'-TCTTAAAATGGTCCAGAGCAAGTTGTTTGAATTCACAGTGCTTCTCCTCTAGAATGTCTG[G>A]AGACAAATAAGGTTTCTCTCCCCCACAAACCTAAAAAGAACAAAGAAACAATATGTTAAA-3'
Protein context (NP_056274.3, residues 370-390): VCGGEKPYLS[Pro380Ser]DILEEKHCEF

ClinVar aggregate classification (germline): Conflicting classifications of pathogenicity. Review status: criteria provided, conflicting classifications (1 of 4 stars). 3 submissions from 3 submitters: Uncertain significance (1); Likely benign (2). Last evaluated 2025-09-03.

Conditions:
Inborn genetic diseases. Identifiers: MedGen C0950123, MeSH D030342.
Neuropathy, hereditary sensory, type 1F. Also called: Hereditary sensory neuropathy type IF; HSN IF. Identifiers: Orphanet 36386, MedGen C3810194, MONDO:0014286, OMIM 615632.

Allele frequency attached by ClinVar (database versions not stated): gnomAD exomes 0.00005; ExAC 0.00006.
gnomAD v4.1: 239 of 1,611,782 alleles (0.015%); highest among the groups gnomAD compares: East Asian, 0.52%; 4 homozygotes.

Submissions (3):

Labcorp Genetics (formerly Invitae), Labcorp
Classification: Uncertain significance for Neuropathy, hereditary sensory, type 1F. Last evaluated: 2025-09-03. Review status: criteria provided, single submitter. Criteria: Invitae Variant Classification Sherloc (09022015). Collection method: clinical testing. Allele origin: germline.
Comment: This sequence change replaces proline, which is neutral and non-polar, with serine, which is neutral and polar, at codon 380 of the ATL3 protein (p.Pro380Ser). This variant is present in population databases (rs745644667, gnomAD 0.05%). This variant has not been reported in the literature in individuals affected with ATL3-related conditions. ClinVar contains an entry for this variant (Variation ID: 1403285). Invitae Evidence Modeling of protein sequence and biophysical properties (such as structural, functional, and spatial information, amino acid conservation, physicochemical variation, residue mobility, and thermodynamic stability) indicates that this missense variant is not expected to disrupt ATL3 protein function with a negative predictive value of 80%. In summary, the available evidence is currently insufficient to determine the role of this variant in disease. Therefore, it has been classified as a Variant of Uncertain Significance.

CeGaT Center for Human Genetics Tuebingen
Classification: Likely benign. Last evaluated: 2023-10-01. Review status: criteria provided, single submitter. Criteria: CeGaT Center For Human Genetics Tuebingen Variant Classification Criteria Version 2. Collection method: clinical testing. Allele origin: germline. Affected: yes. Observed: 1 variant allele.
Comment: ATL3: BP4

Ambry Genetics
Classification: Likely benign for Inborn genetic diseases. Last evaluated: 2022-05-13. Review status: criteria provided, single submitter. Criteria: Ambry Variant Classification Scheme 2023. Collection method: clinical testing. Allele origin: germline.